The following is an entry in ClinVar:

ClinVar aggregate classification (germline): Pathogenic (1 of 4 stars; one submission).

Conditions:
Marfan syndrome (MFS). Also called: Marfan syndrome type 1; Marfan's syndrome; FBN1-Related Marfan Syndrome; MARFAN SYNDROME, TYPE I; Marfan syndrome, classic. Identifiers: Orphanet 284963, Orphanet 558, MedGen C0024796, MONDO:0007947, OMIM 154700.
Familial thoracic aortic aneurysm and aortic dissection (TAAD). Also called: Thoracic aortic aneurysms and dissections. Identifiers: Orphanet 91387, MedGen C4707243, MONDO:0019625.

Submission:

Labcorp Genetics (formerly Invitae), Labcorp
Classification: Pathogenic for Marfan syndrome; Familial thoracic aortic aneurysm and aortic dissection. Last evaluated: 2021-04-13. Review status: criteria provided, single submitter. Criteria: Invitae Variant Classification Sherloc (09022015). Collection method: clinical testing. Allele origin: germline.
Comment: This variant is not present in population databases (ExAC no frequency). For these reasons, this variant has been classified as Pathogenic. This variant has not been reported in the literature in individuals with FBN1-related conditions. This sequence change creates a premature translational stop signal (p.Cys154Serfs*37) in the FBN1 gene. It is expected to result in an absent or disrupted protein product. Loss-of-function variants in FBN1 are known to be pathogenic (PMID: 17657824, 19293843).

Literature cited by the submitters: PubMed 17657824; PubMed 19293843.

NM_000138.5(FBN1):c.459_460dup (p.Cys154fs)

Gene: FBN1 (fibrillin 1; minus strand). Cytogenetic location: 15q21.1.
Variant type: Duplication.
Coding change: c.459_460dup on transcript NM_000138.5 (MANE Select); coding-DNA positions 459 to 460, 2 bases duplicated (CT; older notation c.459_460dupCT).
Protein change: p.Cys154fs; shifts the reading frame from cysteine 154.
Molecular consequence: frameshift variant.
Genome position (GRCh38, 1-based): chr15:48,596,361-48,596,362, AG duplicated on the plus strand (CT on the coding strand, the reverse complement: FBN1 is on the minus strand). VCF-style (leftmost placement, unchanged base first): chr15-48596360-C-CAG. GRCh37 (hg19) VCF-style: chr15-48888557-C-CAG.
Other names: short protein forms C154fs.
Identifiers: ClinVar variation 1379454 (VCV001379454.6), dbSNP rs2140711798, ClinGen allele CA2573150796.
Genomic context (GRCh38, chr15:48,596,360, plus strand): 5'-CCAGTAAATCCGTAAGTGCATGCACATCGATTTGGGGCCACACACCTTCCTCCATTGAGA[C>CAG]AGCCACTTTCACAAACAGCTGTAAAATAAGGAGAGAGCTGAGACGCTTTACCTGAAAATA-3'